The following is an entry in ClinVar:

NM_002887.4(RARS1):c.580-225A>G

Gene: RARS1 (arginyl-tRNA synthetase 1; plus strand). Cytogenetic location: 5q34.
Variant type: single nucleotide variant.
Coding change: c.580-225A>G on transcript NM_002887.4 (MANE Select); 225 bases into the intron before coding-DNA position 580, A replaced by G.
Molecular consequence: intron variant.
Genome position (GRCh38, 1-based): chr5:168,495,090, A>G. VCF-style: chr5-168495090-A-G. GRCh37 (hg19) VCF-style: chr5-167922095-A-G.
Identifiers: ClinVar variation 669547 (VCV000669547.1), dbSNP rs72830962, ClinGen allele CA12148881.
Genomic context (GRCh38, chr5:168,495,090, plus strand): 5'-AAGGCATTTGAGGTAGCCAATTGATACACAGATATCACTGAAATAGAATGGATAATTTGT[A>G]TACATGAATTTGATTCTTTTTCAGTTAAAAATATACAAGCAGATCCATCATAAAATCAAA-3'

ClinVar aggregate classification (germline): Benign (1 of 4 stars; one submission).

Allele frequency attached by ClinVar (database versions not stated): 1000 Genomes Project 0.05990; 1000 Genomes Project 30x 0.06184; TOPMed 0.11627; gnomAD 0.12678 and 0.13103; gnomAD exomes 0.16189.
gnomAD v4.1: 104,427 of 680,434 alleles (15%); highest among the groups gnomAD compares: Non-Finnish European, 19%; 9,816 homozygotes.

Submission:

GeneDx
Classification: Benign. Last evaluated: 2018-06-14. Review status: criteria provided, single submitter. Criteria: GeneDx Variant Classification (06012015). Collection method: clinical testing. Allele origin: germline. Affected: yes.
Comment: This variant is considered likely benign or benign based on one or more of the following criteria: it is a conservative change, it occurs at a poorly conserved position in the protein, it is predicted to be benign by multiple in silico algorithms, and/or has population frequency not consistent with disease.